The following is an entry in ClinVar:

NM_007272.3(CTRC):c.494-1G>C

Gene: CTRC (chymotrypsin C; plus strand). Cytogenetic location: 1p36.21.
Variant type: single nucleotide variant.
Coding change: c.494-1G>C on transcript NM_007272.3 (MANE Select); the canonical splice acceptor site of the intron before coding-DNA position 494, G replaced by C.
Molecular consequence: splice acceptor variant.
Genome position (GRCh38, 1-based): chr1:15,444,605, G>C. VCF-style: chr1-15444605-G-C. GRCh37 (hg19) VCF-style: chr1-15771100-G-C.
Identifiers: ClinVar variation 663975 (VCV000663975.9), dbSNP rs766917452, ClinGen allele CA613366.
Genomic context (GRCh38, chr1:15,444,605, plus strand): 5'-GGGGAGGGGCTGGACTGGGCTTCCCGGCTGCCTCCCTGGTCACTGCTCACTCTCTCCCCA[G>C]CCAACGGCCCCATTGCTGATAAGCTGCAGCAGGGCCTGCAGCCCGTGGTGGATCACGCCA-3'

ClinVar aggregate classification (germline): Pathogenic/Likely pathogenic. Review status: criteria provided, multiple submitters, no conflicts (2 of 4 stars). 4 submissions from 4 submitters: Pathogenic (1); Likely pathogenic (2). 1 of the submissions does not count toward it. Last evaluated 2024-08-29.

Conditions:
Hereditary pancreatitis (PCTT). Also called: PRSS1-Related Hereditary Pancreatitis; Hereditary chronic pancreatitis. Identifiers: Orphanet 676, MedGen C0238339, MONDO:0008185, OMIM 167800.

Allele frequency attached by ClinVar (database versions not stated): gnomAD 0.00001; TOPMed 0.00010.

Submissions (4):

Ambry Genetics
Classification: Pathogenic for Hereditary pancreatitis. Last evaluated: 2024-08-29. Review status: criteria provided, single submitter. Criteria: Ambry Variant Classification Scheme 2023. Collection method: clinical testing. Allele origin: germline.
Comment: The c.494-1G>C intronic pathogenic mutation results from a G to C substitution one nucleotide upstream from coding exon 6 of the CTRC gene. This alteration was identified in one individual with acute recurrent idiopathic pancreatitis (Jalaly NY et al. Am. J. Gastroenterol., 2017 Aug;112:1320-1329). This nucleotide position is highly conserved in available vertebrate species. In silico splice site analysis predicts that this alteration will weaken the native splice acceptor site and will result in the creation or strengthening of a novel splice acceptor site. In addition to the clinical data presented in the literature, alterations that disrupt the canonical splice site are expected to cause aberrant splicing, resulting in an abnormal protein or a transcript that is subject to nonsense-mediated mRNA decay. As such, this alteration is classified as a disease-causing mutation.

ARUP Laboratories, Molecular Genetics and Genomics, ARUP Laboratories
Classification: Likely pathogenic for Hereditary pancreatitis. Last evaluated: 2023-12-14. Review status: criteria provided, single submitter. Criteria: ARUP Molecular Germline Variant Investigation Process 2024. Collection method: clinical testing. Allele origin: germline.
Comment: The CTRC c.494-1G>C variant (rs766917452) is reported in the literature in an individual with idiopathic pancreatitis (Jalaly 2017). This variant is also reported in ClinVar (Variation ID: 663975). It is found in the general population with an overall allele frequency of 0.007% (18/251318 alleles) in the Genome Aggregation Database. This variant disrupts the canonical splice acceptor site of intron 5, which is likely to negatively impact gene function. Based on available information, the c.494-1G>C variant is considered to be likely pathogenic. References: Jalaly NY et al. An Evaluation of Factors Associated With Pathogenic PRSS1, SPINK1, CTFR, and/or CTRC Genetic Variants in Patients With Idiopathic Pancreatitis. Am J Gastroenterol. 2017 Aug;112(8):1320-1329. PMID: 28440306.

Baylor Genetics
Classification: Likely pathogenic for Hereditary pancreatitis. Last evaluated: 2019-07-26. Review status: criteria provided, single submitter. Criteria: ACMG Guidelines, 2015. Collection method: clinical testing. Allele origin: unknown. Affected: yes.
Comment: This variant was determined to be likely pathogenic according to ACMG Guidelines, 2015 [PMID:25741868].

Labcorp Genetics (formerly Invitae), Labcorp
Classification: Uncertain significance for Hereditary pancreatitis. Last evaluated: 2022-05-03. Review status: flagged submission. Criteria: Invitae Variant Classification Sherloc (09022015). Collection method: clinical testing. Allele origin: germline. Not counted in ClinVar's aggregate classification.
Comment: This sequence change affects an acceptor splice site in intron 5 of the CTRC gene. It is expected to disrupt RNA splicing. Variants that disrupt the donor or acceptor splice site typically lead to a loss of protein function (PMID: 16199547), however the current clinical and genetic evidence is not sufficient to establish whether loss-of-function variants in CTRC cause disease. This variant is present in population databases (rs766917452, gnomAD 0.04%), and has an allele count higher than expected for a pathogenic variant. This variant has not been reported in the literature in individuals affected with CTRC-related conditions. ClinVar contains an entry for this variant (Variation ID: 663975). Algorithms developed to predict the effect of sequence changes on RNA splicing suggest that this variant may disrupt the consensus splice site. In summary, the available evidence is currently insufficient to determine the role of this variant in disease. Therefore, it has been classified as a Variant of Uncertain Significance.
ClinVar note: Reason: Claim with insufficient supporting evidence

Literature cited by the submitters: PubMed 28440306 (cited by Ambry Genetics); PubMed 16199547 (cited by Labcorp Genetics (formerly Invitae), Labcorp).